The following is an entry in ClinVar:

ClinVar aggregate classification (germline): Uncertain significance (1 of 4 stars; one submission).

Conditions:
Cardiovascular phenotype. Identifiers: MedGen CN230736.

Submission:

Ambry Genetics
Classification: Uncertain significance for Cardiovascular phenotype. Last evaluated: 2025-07-30. Review status: criteria provided, single submitter. Criteria: Ambry Variant Classification Scheme 2023. Collection method: clinical testing. Allele origin: germline.
Comment: The p.D866H variant (also known as c.2596G>C), located in coding exon 1 of the ZNF469 gene, results from a G to C substitution at nucleotide position 2596. The aspartic acid at codon 866 is replaced by histidine, an amino acid with similar properties. This amino acid position is conserved. In addition, the in silico prediction for this alteration is inconclusive. Based on the available evidence, the clinical significance of this variant remains unclear.

NM_001127464.1:c.2596G>C

Gene: ZNF469 (zinc finger protein 469; plus strand).
Variant type: single nucleotide variant.
Identifiers: ClinVar variation 4209193 (VCV004209193.1).